The following is an entry in ClinVar:

NM_001363711.2(DUOX2):c.1786C>T (p.Pro596Ser)

Gene: DUOX2 (dual oxidase 2; minus strand). Cytogenetic location: 15q21.1.
Variant type: single nucleotide variant.
Coding change: c.1786C>T on transcript NM_001363711.2 (MANE Select); coding-DNA position 1786, C replaced by T.
Protein change: p.Pro596Ser; replaces proline 596 with serine.
Molecular consequence: missense variant.
Genome position (GRCh38, 1-based): chr15:45,106,877, G>A on the plus strand (C>T on the coding strand, the complement: DUOX2 is on the minus strand). VCF-style: chr15-45106877-G-A. GRCh37 (hg19) VCF-style: chr15-45399075-G-A.
Other names: c.1786C>T, p.Pro596Ser (NM_014080.5); short protein forms P596S.
Identifiers: ClinVar variation 885167 (VCV000885167.15), dbSNP rs373790251, ClinGen allele CA7538501.

ClinVar aggregate classification (germline): Benign/Likely benign. Review status: criteria provided, multiple submitters, no conflicts (2 of 4 stars). 4 submissions from 4 submitters: Benign (2); Likely benign (2). Last evaluated 2026-02-04.

Conditions:
Thyroid dyshormonogenesis 6 (TDH6). Also called: Genetic transient congenital hypothyroidism; HYPOTHYROIDISM, CONGENITAL, DUE TO DYSHORMONOGENESIS, 6; THYROID HORMONOGENESIS, GENETIC DEFECT IN, 6. Identifiers: Orphanet 226316, Orphanet 95716, MedGen C1846632, MONDO:0011792, OMIM 607200.

Allele frequency attached by ClinVar (database versions not stated): gnomAD 0.00006 and 0.00161; ESP Exome Variant Server 0.00015; TOPMed 0.00034; gnomAD exomes 0.00305 and 0.00640; 1000 Genomes Project 0.00938; 1000 Genomes Project 30x 0.00953; ExAC 0.01147.
gnomAD v4.1: 4,631 of 1,588,604 alleles (0.29%); highest among the groups gnomAD compares: South Asian, 5.1%; 155 homozygotes.

Submissions (4):

Labcorp Genetics (formerly Invitae), Labcorp
Classification: Benign. Last evaluated: 2026-02-04. Review status: criteria provided, single submitter. Criteria: Invitae Variant Classification Sherloc (09022015). Collection method: clinical testing. Allele origin: germline.

GeneDx
Classification: Benign. Last evaluated: 2019-02-04. Review status: criteria provided, single submitter. Criteria: GeneDx Variant Classification Process June 2021. Collection method: clinical testing. Allele origin: germline. Affected: yes.
Comment: This variant is associated with the following publications: (PMID: 28444304)

Illumina Laboratory Services, Illumina
Classification: Likely benign for Thyroid dyshormonogenesis 6. Last evaluated: 2018-01-12. Review status: criteria provided, single submitter. Criteria: ICSL Variant Classification Criteria 13 December 2019. Collection method: clinical testing. Allele origin: germline.
Comment: This variant was observed in the ICSL laboratory as part of a predisposition screen in an ostensibly healthy population. It had not been previously curated by ICSL or reported in the Human Gene Mutation Database (HGMD: prior to June 1st, 2018), and was therefore a candidate for classification through an automated scoring system. Utilizing variant allele frequency, disease prevalence and penetrance estimates, and inheritance mode, an automated score was calculated to assess if this variant is too frequent to cause the disease. Based on the score and internal cut-off values, a variant classified as likely benign is not then subjected to further curation. The score for this variant resulted in a classification of likely benign for this disease.

Breakthrough Genomics
Classification: Likely benign. Review status: criteria provided, single submitter. Criteria: ACMG Guidelines, 2015. Collection method: not provided. Allele origin: germline. Inheritance: Autosomal recessive inheritance. Affected: yes.